The following is an entry in ClinVar:

NM_198271.5(LMOD3):c.640T>G (p.Ser214Ala)

Gene: LMOD3 (leiomodin 3; minus strand). Cytogenetic location: 3p14.1.
Variant type: single nucleotide variant.
Coding change: c.640T>G on transcript NM_198271.5 (MANE Select); coding-DNA position 640, T replaced by G.
Protein change: p.Ser214Ala; replaces serine 214 with alanine.
Molecular consequence: missense variant.
Genome position (GRCh38, 1-based): chr3:69,119,715, A>C on the plus strand (T>G on the coding strand, the complement: LMOD3 is on the minus strand). VCF-style: chr3-69119715-A-C. GRCh37 (hg19) VCF-style: chr3-69168866-A-C.
Other names: c.640T>G, p.Ser214Ala (NM_001304418.3); short protein forms S214A.
Identifiers: ClinVar variation 2227036 (VCV002227036.4), dbSNP rs560994239, ClinGen allele CA2488944.
Genomic context (GRCh38, chr3:69,119,715, plus strand): 5'-GCCTTGTACTTACCTTCAAAAAGCTGGTGTCTAGAGCTAACTTCTTAGGATCTAATTTCG[A>C]TATTTTTTTCTCACTTTGTTCTTGGGCCTCTGGTCTGTCTCTCTGTTCTTTGAATGCTTT-3'
Protein context (NP_938012.2, residues 204-224): EAQEQSEKKI[Ser214Ala]KLDPKKLALD

ClinVar aggregate classification (germline): Uncertain significance. Review status: criteria provided, multiple submitters, no conflicts (2 of 4 stars). 2 submissions from 2 submitters: Uncertain significance (2). Last evaluated 2024-11-06.

Conditions:
Inborn genetic diseases. Identifiers: MedGen C0950123, MeSH D030342.
Nemaline myopathy 10 (NEM10). Identifiers: MedGen C4015360, MONDO:0014513, OMIM 616165.

Allele frequency attached by ClinVar (database versions not stated): gnomAD 0.00001; TOPMed 0.00001; ExAC 0.00002; 1000 Genomes Project 30x 0.00016; 1000 Genomes Project 0.00020.
gnomAD v4.1: 21 of 1,613,810 alleles (0.0013%); highest among the groups gnomAD compares: African/African-American, 0.02%; no homozygotes.

Submissions (2):

Labcorp Genetics (formerly Invitae), Labcorp
Classification: Uncertain significance for Nemaline myopathy 10. Last evaluated: 2024-11-06. Review status: criteria provided, single submitter. Criteria: Invitae Variant Classification Sherloc (09022015). Collection method: clinical testing. Allele origin: germline.
Comment: This sequence change replaces serine, which is neutral and polar, with alanine, which is neutral and non-polar, at codon 214 of the LMOD3 protein (p.Ser214Ala). This variant is present in population databases (rs560994239, gnomAD 0.007%). This variant has not been reported in the literature in individuals affected with LMOD3-related conditions. ClinVar contains an entry for this variant (Variation ID: 2227036). An algorithm developed to predict the effect of missense changes on protein structure and function outputs the following: PolyPhen-2: "Benign". The alanine amino acid residue is found in multiple mammalian species, which suggests that this missense change does not adversely affect protein function. In summary, the available evidence is currently insufficient to determine the role of this variant in disease. Therefore, it has been classified as a Variant of Uncertain Significance.

Ambry Genetics
Classification: Uncertain significance for Inborn genetic diseases. Last evaluated: 2021-12-14. Review status: criteria provided, single submitter. Criteria: Ambry Variant Classification Scheme 2023. Collection method: clinical testing. Allele origin: germline.